The following is an entry in ClinVar:

ClinVar aggregate classification (germline): Uncertain significance (1 of 4 stars; one submission).

Allele frequency attached by ClinVar (database versions not stated): gnomAD exomes below 0.00001 and 0.00001; gnomAD 0.00001; TOPMed 0.00003.
gnomAD v4.1: 7 of 1,613,784 alleles (0.00043%); highest among the groups gnomAD compares: Admixed American, 0.005%; no homozygotes.

Submission:

Labcorp Genetics (formerly Invitae), Labcorp
Classification: Uncertain significance. Last evaluated: 2022-06-12. Review status: criteria provided, single submitter. Criteria: Invitae Variant Classification Sherloc (09022015). Collection method: clinical testing. Allele origin: germline.
Comment: In summary, the available evidence is currently insufficient to determine the role of this variant in disease. Therefore, it has been classified as a Variant of Uncertain Significance. Experimental studies and prediction algorithms are not available or were not evaluated, and the functional significance of this variant is currently unknown. This variant has not been reported in the literature in individuals affected with SLC46A1-related conditions. This variant is present in population databases (no rsID available, gnomAD 0.006%). This sequence change replaces arginine, which is basic and polar, with tryptophan, which is neutral and slightly polar, at codon 204 of the SLC46A1 protein (p.Arg204Trp).

NM_080669.6(SLC46A1):c.610C>T (p.Arg204Trp)

Gene: SLC46A1 (solute carrier family 46 member 1; minus strand). Cytogenetic location: 17q11.2.
Variant type: single nucleotide variant.
Coding change: c.610C>T on transcript NM_080669.6 (MANE Select); coding-DNA position 610, C replaced by T.
Protein change: p.Arg204Trp; replaces arginine 204 with tryptophan.
Molecular consequence: missense variant.
Genome position (GRCh38, 1-based): chr17:28,405,087, G>A on the plus strand (C>T on the coding strand, the complement: SLC46A1 is on the minus strand). VCF-style: chr17-28405087-G-A. GRCh37 (hg19) VCF-style: chr17-26732105-G-A.
Other names: c.610C>T, p.Arg204Trp (NM_001242366.3); short protein forms R204W.
Identifiers: ClinVar variation 1376262 (VCV001376262.5), dbSNP rs1422953742, ClinGen allele CA398350289.
Genomic context (GRCh38, chr17:28,405,087, plus strand): 5'-GAGTCATGGCTATCAGCAAGGCCAAGGCCAGCCAGAAGGGGTTGGCATAACCCTGGGCCC[G>A]GAGCCAGTGGCCCCCGAGGAGGCTTGCCAGCATCCCAGCCACCCCGATGCTGGCTTCCAG-3'
Protein context (NP_542400.2, residues 194-214): LASLLGGHWL[Arg204Trp]AQGYANPFWL